The following is an entry in ClinVar:

ClinVar aggregate classification (germline): Likely benign. Review status: criteria provided, single submitter (1 of 4 stars). 2 submissions from 2 submitters: Likely benign (1). 1 of the submissions does not count toward it. Last evaluated 2025-09-26.

Conditions:
LAMA5-related disorder. Also called: LAMA5-related condition; LAMA5-Related Disorders.

Allele frequency attached by ClinVar (database versions not stated): gnomAD 0.00001; gnomAD exomes 0.00003; ExAC 0.00005; TOPMed 0.00007; ESP Exome Variant Server 0.00008.
gnomAD v4.1: 39 of 1,612,730 alleles (0.0024%); highest among the groups gnomAD compares: Non-Finnish European, 0.003%; no homozygotes.

Submissions (2):

Labcorp Genetics (formerly Invitae), Labcorp
Classification: Likely benign. Last evaluated: 2025-09-26. Review status: criteria provided, single submitter. Criteria: Invitae Variant Classification Sherloc (09022015). Collection method: clinical testing. Allele origin: germline.

PreventionGenetics, part of Exact Sciences
Classification: Likely benign for LAMA5-related condition. Last evaluated: 2022-12-21. Review status: no assertion criteria provided. Collection method: clinical testing. Allele origin: germline. Not counted in ClinVar's aggregate classification.
Comment: This variant is classified as likely benign based on ACMG/AMP sequence variant interpretation guidelines (Richards et al. 2015 PMID: 25741868, with internal and published modifications).

NM_005560.6(LAMA5):c.4803C>T (p.Asn1601=)

Gene: LAMA5 (laminin subunit alpha 5; minus strand). Cytogenetic location: 20q13.33.
Variant type: single nucleotide variant.
Coding change: c.4803C>T on transcript NM_005560.6 (MANE Select); coding-DNA position 4803, C replaced by T.
Protein change: p.Asn1601=; no amino-acid change (asparagine 1601 retained).
Molecular consequence: synonymous variant.
Genome position (GRCh38, 1-based): chr20:62,327,664, G>A on the plus strand (C>T on the coding strand, the complement: LAMA5 is on the minus strand). VCF-style: chr20-62327664-G-A. GRCh37 (hg19) VCF-style: chr20-60902720-G-A.
Identifiers: ClinVar variation 3032733 (VCV003032733.3), dbSNP rs146887751, ClinGen allele CA9942464.
Genomic context (GRCh38, chr20:62,327,664, plus strand): 5'-GTTGGCAGCATCCAGTGAGAAGGTCCCAAGGCTGCACTGGTCACATTTGGGGCCCTGCAC[G>A]TTCTCCTAGGGATGAGAGGACAGTGAGAGTGGTCGGCAGGTGCCAGGTGCCTGACCCCGG-3'
Protein context (NP_005551.3, residues 1591-1611): PLTGQCYCKE[Asn1601=]VQGPKCDQCS